The following is an entry in ClinVar:

ClinVar aggregate classification (germline): Benign (1 of 4 stars; one submission).

Allele frequency attached by ClinVar (database versions not stated): 1000 Genomes Project 30x 0.04997; 1000 Genomes Project 0.05172; TOPMed 0.05667; gnomAD 0.06128 and 0.06202; gnomAD exomes 0.07376.
gnomAD v4.1: 69,076 of 961,540 alleles (7.2%); highest among the groups gnomAD compares: Middle Eastern, 11%; 2,869 homozygotes.

Submission:

GeneDx
Classification: Benign. Last evaluated: 2018-06-19. Review status: criteria provided, single submitter. Criteria: GeneDx Variant Classification (06012015). Collection method: clinical testing. Allele origin: germline. Affected: yes.
Comment: This variant is considered likely benign or benign based on one or more of the following criteria: it is a conservative change, it occurs at a poorly conserved position in the protein, it is predicted to be benign by multiple in silico algorithms, and/or has population frequency not consistent with disease.

NM_014141.6(CNTNAP2):c.403-148A>G

Gene: CNTNAP2 (contactin associated protein 2; plus strand). Cytogenetic location: 7q35.
Variant type: single nucleotide variant.
Coding change: c.403-148A>G on transcript NM_014141.6 (MANE Select); 148 bases into the intron before coding-DNA position 403, A replaced by G.
Molecular consequence: intron variant.
Genome position (GRCh38, 1-based): chr7:147,043,759, A>G. VCF-style: chr7-147043759-A-G. GRCh37 (hg19) VCF-style: chr7-146740851-A-G.
Identifiers: ClinVar variation 680276 (VCV000680276.1), dbSNP rs74422781, ClinGen allele CA12550158.
Genomic context (GRCh38, chr7:147,043,759, plus strand): 5'-ACCCACAGAAAATCTGACCTGTTTTCCACTTAAAACTGGACCTATTTTCACATTAAGAGT[A>G]AGGAAGCAGCTTTCTTCAAATTATTTACGGTGTAAGAAATCACAAGCCCTACCATTGGAT-3'